The following is an entry in ClinVar:

NM_003119.4(SPG7):c.1651C>T (p.Arg551Cys)

Gene: SPG7 (SPG7 matrix AAA peptidase subunit, paraplegin; plus strand). Cytogenetic location: 16q24.3.
Variant type: single nucleotide variant.
Coding change: c.1651C>T on transcript NM_003119.4 (MANE Select); coding-DNA position 1651, C replaced by T.
Protein change: p.Arg551Cys; replaces arginine 551 with cysteine.
Molecular consequence: missense variant.
Genome position (GRCh38, 1-based): chr16:89,548,101, C>T. VCF-style: chr16-89548101-C-T. GRCh37 (hg19) VCF-style: chr16-89614509-C-T.
Other names: c.1651C>T, p.Arg551Cys (NM_001363850.1); short protein forms R551C.
Identifiers: ClinVar variation 2737665 (VCV002737665.3), dbSNP rs763854903, ClinGen allele CA8244296.

ClinVar aggregate classification (germline): Uncertain significance (1 of 4 stars; one submission).

Conditions:
Hereditary spastic paraplegia 7 (SPG7). Also called: Autosomal recessive spastic paraplegia type 7; SPASTIC PARAPLEGIA 7, AUTOSOMAL RECESSIVE, WITH OR WITHOUT CEREBELLAR ATAXIA; Spastic paraplegia 7; Hereditary spastic paraplegia Paraplegin type; SPG7-related neurologic disorder. Identifiers: Orphanet 99013, MedGen C1846564, MONDO:0011803, OMIM 607259.

Allele frequency attached by ClinVar (database versions not stated): TOPMed 0.00001.
gnomAD v4.1: 11 of 1,604,812 alleles (0.00069%); highest among the groups gnomAD compares: Admixed American, 0.01%; no homozygotes.

Submission:

Labcorp Genetics (formerly Invitae), Labcorp
Classification: Uncertain significance for Hereditary spastic paraplegia 7. Last evaluated: 2024-06-17. Review status: criteria provided, single submitter. Criteria: Invitae Variant Classification Sherloc (09022015). Collection method: clinical testing. Allele origin: germline.
Comment: This sequence change replaces arginine, which is basic and polar, with cysteine, which is neutral and slightly polar, at codon 551 of the SPG7 protein (p.Arg551Cys). This variant is present in population databases (rs763854903, gnomAD 0.01%). This variant has not been reported in the literature in individuals affected with SPG7-related conditions. Advanced modeling of protein sequence and biophysical properties (such as structural, functional, and spatial information, amino acid conservation, physicochemical variation, residue mobility, and thermodynamic stability) performed at Invitae indicates that this missense variant is expected to disrupt SPG7 protein function with a positive predictive value of 80%. In summary, the available evidence is currently insufficient to determine the role of this variant in disease. Therefore, it has been classified as a Variant of Uncertain Significance.